The following is an entry in ClinVar:

NM_025132.4(WDR19):c.641dup (p.Leu214fs)

Gene: WDR19 (WD repeat domain 19; plus strand). Cytogenetic location: 4p14.
Variant type: Duplication.
Coding change: c.641dup on transcript NM_025132.4 (MANE Select); coding-DNA position 641, one base duplicated (T; older notation c.641dupT).
Protein change: p.Leu214fs; shifts the reading frame from leucine 214.
Molecular consequence: frameshift variant.
Genome position (GRCh38, 1-based): chr4:39,205,191, T duplicated; the last of 8 consecutive T bases (chr4:39,205,184-39,205,191); duplicating any one gives the same sequence. VCF-style (leftmost placement, unchanged base first): chr4-39205183-G-GT. GRCh37 (hg19) VCF-style: chr4-39206803-G-GT.
Other names: c.161dup, p.Leu54fs (NM_001317924.2); short protein forms L214fs, L54fs.
Identifiers: ClinVar variation 127154 (VCV000127154.10), dbSNP rs587777348, ClinGen allele CA151405.

ClinVar aggregate classification (germline): Pathogenic. Review status: criteria provided, multiple submitters, no conflicts (2 of 4 stars). 3 submissions from 3 submitters: Pathogenic (2). 1 of the submissions does not count toward it. Last evaluated 2024-03-09.

Conditions:
Senior-Loken syndrome 8 (SLSN8). Identifiers: Orphanet 3156, MedGen C4225376, MONDO:0014579, OMIM 616307.
Asphyxiating thoracic dystrophy 5 (SRTD5). Also called: SHORT-RIB THORACIC DYSPLASIA 5 WITH OR WITHOUT POLYDACTYLY; SHORT-RIB THORACIC DYSPLASIA 5 WITHOUT POLYDACTYLY. Identifiers: Orphanet 474, MedGen C3280598, MONDO:0013717, OMIM 614376.
Nephronophthisis 13 (NPHP13). Identifiers: Orphanet 655, MedGen C3280612, MONDO:0013718, OMIM 614377.
Cranioectodermal dysplasia 4 (CED4). Identifiers: Orphanet 1515, MedGen C3280616, MONDO:0013719, OMIM 614378.
Spermatogenic failure 72 (SPGF72). Identifiers: MedGen C5676980, MONDO:0030809, OMIM 619867.

Submissions (3):

Fulgent Genetics
Classification: Pathogenic for Asphyxiating thoracic dystrophy 5; Nephronophthisis 13; Cranioectodermal dysplasia 4; Senior-Loken syndrome 8; Spermatogenic failure 72. Last evaluated: 2024-03-09. Review status: criteria provided, single submitter. Criteria: ACMG Guidelines, 2015. Collection method: clinical testing. Allele origin: germline.

Labcorp Genetics (formerly Invitae), Labcorp
Classification: Pathogenic for Senior-Loken syndrome 8; Asphyxiating thoracic dystrophy 5. Last evaluated: 2022-10-24. Review status: criteria provided, single submitter. Criteria: Invitae Variant Classification Sherloc (09022015). Collection method: clinical testing. Allele origin: germline.
Comment: This sequence change creates a premature translational stop signal (p.Leu214Phefs*5) in the WDR19 gene. It is expected to result in an absent or disrupted protein product. Loss-of-function variants in WDR19 are known to be pathogenic (PMID: 22019273, 23559409, 23683095, 26275793, 27241786, 29068549). This variant is not present in population databases (gnomAD no frequency). This premature translational stop signal has been observed in individual(s) with nephronophthisis and retinal dystrophy (PMID: 23559409). ClinVar contains an entry for this variant (Variation ID: 127154). For these reasons, this variant has been classified as Pathogenic.

OMIM
Classification: Pathogenic for SENIOR-LOKEN SYNDROME 8. Last evaluated: 2013-08-01. Review status: no assertion criteria provided. Collection method: literature only. Allele origin: germline. Not counted in ClinVar's aggregate classification.

Literature cited by the submitters: PubMed 22019273 (cited by Labcorp Genetics (formerly Invitae), Labcorp); PubMed 23559409 (cited by Labcorp Genetics (formerly Invitae), Labcorp and OMIM); PubMed 23683095 (cited by Labcorp Genetics (formerly Invitae), Labcorp and OMIM); PubMed 26275793 (cited by Labcorp Genetics (formerly Invitae), Labcorp); PubMed 27241786 (cited by Labcorp Genetics (formerly Invitae), Labcorp); PubMed 29068549 (cited by Labcorp Genetics (formerly Invitae), Labcorp).